The following is an entry in ClinVar:

NM_001715.3(BLK):c.400G>A (p.Ala134Thr)

Genes: BLK (BLK proto-oncogene, Src family tyrosine kinase), LOC126860303 (CDK7 strongly-dependent group 2 enhancer GRCh37_chr8:11407118-11408317). Cytogenetic location: 8p23.1.
Variant type: single nucleotide variant.
Coding change: c.400G>A on transcript NM_001715.3 (MANE Select); coding-DNA position 400, G replaced by A.
Protein change: p.Ala134Thr; replaces alanine 134 with threonine.
Molecular consequence: missense variant.
Genome position (GRCh38, 1-based): chr8:11,550,190, G>A. VCF-style: chr8-11550190-G-A. GRCh37 (hg19) VCF-style: chr8-11407699-G-A.
Other names: c.187G>A, p.Ala63Thr (NM_001330465.2); short protein forms A134T, A63T.
Identifiers: ClinVar variation 1986665 (VCV001986665.4), dbSNP rs1210749724, ClinGen allele CA370312335.

ClinVar aggregate classification (germline): Uncertain significance (1 of 4 stars; one submission).

Allele frequency attached by ClinVar (database versions not stated): gnomAD exomes below 0.00001.
gnomAD v4.1: 1 of 1,614,160 alleles (0.000062%); highest among the groups gnomAD compares: Non-Finnish European, 0.000085%; no homozygotes.

Submission:

Labcorp Genetics (formerly Invitae), Labcorp
Classification: Uncertain significance. Last evaluated: 2025-07-28. Review status: criteria provided, single submitter. Criteria: Invitae Variant Classification Sherloc (09022015). Collection method: clinical testing. Allele origin: germline.
Comment: This sequence change replaces alanine, which is neutral and non-polar, with threonine, which is neutral and polar, at codon 134 of the BLK protein (p.Ala134Thr). This variant is present in population databases (no rsID available, gnomAD 0.0009%). This variant has not been reported in the literature in individuals affected with BLK-related conditions. ClinVar contains an entry for this variant (Variation ID: 1986665). An algorithm developed to predict the effect of missense changes on protein structure and function outputs the following: PolyPhen-2: "Benign". The threonine amino acid residue is found in multiple mammalian species, which suggests that this missense change does not adversely affect protein function. In summary, the available evidence is currently insufficient to determine the role of this variant in disease. Therefore, it has been classified as a Variant of Uncertain Significance.